The following is an entry in ClinVar:

ClinVar aggregate classification (germline): Uncertain significance (1 of 4 stars; one submission).

gnomAD v4.1: 1 of 152,370 alleles (0.00066%); highest among the groups gnomAD compares: South Asian, 0.021%; no homozygotes.

Submission:

CeGaT Center for Human Genetics Tuebingen
Classification: Uncertain significance. Last evaluated: 2026-03-01. Review status: criteria provided, single submitter. Criteria: CeGaT Center For Human Genetics Tuebingen Variant Classification Criteria Version 2. Collection method: clinical testing. Allele origin: germline. Affected: yes. Observed: 1 variant allele.
Comment: HRURF: PM2

NM_001394132.1(HRURF):c.10C>A (p.Pro4Thr)

Genes: HR (HR lysine demethylase and nuclear receptor corepressor; minus strand), HRURF (HR upstream open reading frame; minus strand). Cytogenetic location: 8p21.3.
Variant type: single nucleotide variant.
Coding change: c.10C>A on transcript NM_001394132.1 (MANE Select); coding-DNA position 10, C replaced by A.
Protein change: p.Pro4Thr; replaces proline 4 with threonine.
Molecular consequence: missense variant. On other transcripts: 5 prime UTR variant (2).
Genome position (GRCh38, 1-based): chr8:22,130,699, G>T on the plus strand (C>A on the coding strand, the complement: HRURF is on the minus strand). VCF-style: chr8-22130699-G-T. GRCh37 (hg19) VCF-style: chr8-21988212-G-T.
Other names: c.-312C>A (NM_005144.5, NM_018411.4); short protein forms P4T.
Identifiers: ClinVar variation 4823669 (VCV004823669.4).